The following is an entry in ClinVar:

NM_024529.5(CDC73):c.1311A>T (p.Gln437His)

Gene: CDC73 (cell division cycle 73; plus strand). Cytogenetic location: 1q31.2.
Variant type: single nucleotide variant.
Coding change: c.1311A>T on transcript NM_024529.5 (MANE Select); coding-DNA position 1311, A replaced by T.
Protein change: p.Gln437His; replaces glutamine 437 with histidine.
Molecular consequence: missense variant.
Genome position (GRCh38, 1-based): chr1:193,233,149, A>T. VCF-style: chr1-193233149-A-T. GRCh37 (hg19) VCF-style: chr1-193202279-A-T.
Other names: short protein forms Q437H.
Identifiers: ClinVar variation 3488514 (VCV003488514.1).

ClinVar aggregate classification (germline): Uncertain significance (1 of 4 stars; one submission).

Conditions:
Hereditary cancer-predisposing syndrome. Also called: Tumor predisposition; Neoplastic Syndromes, Hereditary; Hereditary Cancer Syndrome; Hereditary neoplastic syndrome. Identifiers: Orphanet 140162, MedGen C0027672, MeSH D009386, MONDO:0015356.

gnomAD v4.1: 1 of 1,610,224 alleles (0.000062%); highest among the groups gnomAD compares: Non-Finnish European, 0.000085%; no homozygotes.

Submission:

Ambry Genetics
Classification: Uncertain significance for Hereditary cancer-predisposing syndrome. Last evaluated: 2024-09-09. Review status: criteria provided, single submitter. Criteria: Ambry Variant Classification Scheme 2023. Collection method: clinical testing. Allele origin: germline.
Comment: The p.Q437H variant (also known as c.1311A>T), located in coding exon 14 of the CDC73 gene, results from an A to T substitution at nucleotide position 1311. The glutamine at codon 437 is replaced by histidine, an amino acid with highly similar properties. This amino acid position is conserved. In addition, this alteration is predicted to be tolerated by in silico analysis. Based on the available evidence, the clinical significance of this variant remains unclear.